The following is an entry in ClinVar:

NM_207034.3(EDN3):c.52+7G>A

Gene: EDN3 (endothelin 3; plus strand). Cytogenetic location: 20q13.32.
Variant type: single nucleotide variant.
Coding change: c.52+7G>A on transcript NM_207034.3 (MANE Select); 7 bases into the intron after coding-DNA position 52, G replaced by A.
Molecular consequence: intron variant.
Genome position (GRCh38, 1-based): chr20:59,300,871, G>A. VCF-style: chr20-59300871-G-A. GRCh37 (hg19) VCF-style: chr20-57875926-G-A.
Other names: c.52+7G>A (NM_001424361.1, NM_001424363.1, NM_001424362.1 and 4 more transcripts).
Identifiers: ClinVar variation 3381834 (VCV003381834.2).
Genomic context (GRCh38, chr20:59,300,871, plus strand): 5'-TCATGGAGCCGGGGCTGTGGCTCCTTTTCGGGCTCACAGTGACCTCCGCCGCAGGTAAGC[G>A]CACGGGGCGGCGCGCCTCTCCTGGCGCGAGCGCACACAAAAGGACCCAGGGCGGGGGACC-3'

ClinVar aggregate classification (germline): Uncertain significance (1 of 4 stars; one submission).

Conditions:
Waardenburg syndrome. Also called: Waardenburg's syndrome. Identifiers: Orphanet 3440, MedGen C3266898, MONDO:0018094.

gnomAD v4.1: 9 of 1,610,092 alleles (0.00056%); highest among the groups gnomAD compares: African/African-American, 0.0093%; no homozygotes.

Submission:

Center for Statistical Genetics, Columbia University
Classification: Uncertain significance for Waardenburg syndrome. Last evaluated: 2025-01-14. Review status: criteria provided, single submitter. Criteria: ACMG Guidelines, 2015. Collection method: research. Allele origin: germline. Inheritance: Autosomal dominant inheritance. Affected: yes. Observed: 2 heterozygotes.
Comment: The variant c.52+7G>A is a splice variant. We identified this heterozygous variant segerating in multiple affected with Waardenburg syndrome. The variant was classified based on the ACMG/AMP criteria, using the evidences PP1